The following is an entry in ClinVar:

NM_080680.3(COL11A2):c.3528+8_3528+9del

Gene: COL11A2 (collagen type XI alpha 2 chain; minus strand). Cytogenetic location: 6p21.32.
Variant type: Microsatellite.
Coding change: c.3528+8_3528+9del on transcript NM_080680.3 (MANE Select); bases 8 to 9 of the intron after coding-DNA position 3528, 2 bases deleted (TG; older notation c.3528+8_3528+9delTG).
Molecular consequence: intron variant.
Genome position (GRCh38, 1-based): chr6:33,170,548-33,170,549, CA deleted on the plus strand (TG on the coding strand, the reverse complement: COL11A2 is on the minus strand); deleting any 2 consecutive bases within chr6:33,170,548-33,170,552 gives the same sequence; the c. name uses the placement nearest the transcript's 3' end. VCF-style (leftmost placement, unchanged base first): chr6-33170547-TCA-T. GRCh37 (hg19) VCF-style: chr6-33138324-TCA-T.
Other names: c.3207+8_3207+9del (NM_080679.3); c.3270+8_3270+9del (NM_080681.3); c.3528+8_3528+9delTG (NM_080680.2).
Identifiers: ClinVar variation 513746 (VCV000513746.9), dbSNP rs1343647230, ClinGen allele CA566427646.

ClinVar aggregate classification (germline): Likely benign. Review status: criteria provided, multiple submitters, no conflicts (2 of 4 stars). 2 submissions from 2 submitters: Likely benign (2). Last evaluated 2021-11-18.

Submissions (2):

Labcorp Genetics (formerly Invitae), Labcorp
Classification: Likely benign. Last evaluated: 2021-11-18. Review status: criteria provided, single submitter. Criteria: Invitae Variant Classification Sherloc (09022015). Collection method: clinical testing. Allele origin: germline.

GeneDx
Classification: Likely benign. Last evaluated: 2017-12-21. Review status: criteria provided, single submitter. Criteria: GeneDx Variant Classification (06012015). Collection method: clinical testing. Allele origin: germline. Affected: yes.
Comment: This variant is considered likely benign or benign based on one or more of the following criteria: it is a conservative change, it occurs at a poorly conserved position in the protein, it is predicted to be benign by multiple in silico algorithms, and/or has population frequency not consistent with disease.